The following is an entry in ClinVar:

NM_020184.4(CNNM4):c.*1693G>A

Gene: CNNM4 (cyclin and CBS domain divalent metal cation transport mediator 4; plus strand). Cytogenetic location: 2q11.2.
Variant type: single nucleotide variant.
Coding change: c.*1693G>A on transcript NM_020184.4 (MANE Select); 1693 bases downstream of the stop codon, G replaced by A.
Molecular consequence: 3 prime UTR variant.
Genome position (GRCh38, 1-based): chr2:96,811,210, G>A. VCF-style: chr2-96811210-G-A. GRCh37 (hg19) VCF-style: chr2-97476947-G-A.
Identifiers: ClinVar variation 337613 (VCV000337613.5), dbSNP rs77892978, ClinGen allele CA10616573.

ClinVar aggregate classification (germline): Benign (1 of 4 stars; one submission).

Conditions:
Jalili syndrome. Also called: CONE-ROD DYSTROPHY AND AMELOGENESIS IMPERFECTA. Identifiers: Orphanet 1873, MedGen C3495589, MONDO:0009007, OMIM 217080.

Allele frequency attached by ClinVar (database versions not stated): TOPMed 0.10489; 1000 Genomes Project 0.10563; gnomAD 0.09363 and 0.10049; 1000 Genomes Project 30x 0.11337.

Submission:

Illumina Laboratory Services, Illumina
Classification: Benign for Jalili syndrome. Last evaluated: 2018-01-12. Review status: criteria provided, single submitter. Criteria: ICSL Variant Classification Criteria 13 December 2019. Collection method: clinical testing. Allele origin: germline.
Comment: This variant was observed in the ICSL laboratory as part of a predisposition screen in an ostensibly healthy population. It had not been previously curated by ICSL or reported in the Human Gene Mutation Database (HGMD: prior to June 1st, 2018), and was therefore a candidate for classification through an automated scoring system. Utilizing variant allele frequency, disease prevalence and penetrance estimates, and inheritance mode, an automated score was calculated to assess if this variant is too frequent to cause the disease. Based on the score and internal cut-off values, a variant classified as benign is not then subjected to further curation. The score for this variant resulted in a classification of benign for this disease.